The following is an entry in ClinVar:

NM_001130987.2(DYSF):c.889-2A>G

Gene: DYSF (dysferlin; plus strand). Cytogenetic location: 2p13.2.
Variant type: single nucleotide variant.
Coding change: c.889-2A>G on transcript NM_001130987.2 (MANE Select); the canonical splice acceptor site of the intron before coding-DNA position 889, A replaced by G.
Molecular consequence: splice acceptor variant.
Genome position (GRCh38, 1-based): chr2:71,516,178, A>G. VCF-style: chr2-71516178-A-G. GRCh37 (hg19) VCF-style: chr2-71743308-A-G.
Other names: c.886-2A>G (NM_001130979.2, NM_001130981.2, NM_001130980.2); c.793-2A>G (NM_001130978.2, NM_003494.4, NM_001130977.2 and 1 more transcripts); c.889-2A>G (NM_001130982.2, NM_001130985.2); c.796-2A>G (NM_001130983.2, NM_001130455.2, NM_001130984.2 and 1 more transcripts).
Identifiers: ClinVar variation 500814 (VCV000500814.12), dbSNP rs934428561, ClinGen allele CA49761016.

ClinVar aggregate classification (germline): Pathogenic/Likely pathogenic. Review status: criteria provided, multiple submitters, no conflicts (2 of 4 stars). 3 submissions from 3 submitters: Pathogenic (1); Likely pathogenic (2). Last evaluated 2024-06-12.

Conditions:
Neuromuscular disease caused by qualitative or quantitative defects of dysferlin. Also called: Dysferlinopathy; Qualitative or quantitative defects of dysferlin. Identifiers: Orphanet 207073, MedGen C2931687, MONDO:0016145.
Miyoshi muscular dystrophy 1 (MMD1). Identifiers: Orphanet 45448, MedGen C4551973, MONDO:0024545, OMIM 254130.
Autosomal recessive limb-girdle muscular dystrophy type 2B (LGMDR2). Also called: MUSCULAR DYSTROPHY, LIMB-GIRDLE, AUTOSOMAL RECESSIVE 2; MUSCULAR DYSTROPHY, LIMB-GIRDLE, TYPE 3; Limb-girdle muscular dystrophy, type 2B; Limb-Girdle Muscular Dystrophy Type 2B (LGMD2B). Identifiers: Orphanet 268, MedGen C1850889, MONDO:0009676, OMIM 253601.
Distal myopathy with anterior tibial onset. Identifiers: Orphanet 178400, MedGen C1847532, MONDO:0011721, OMIM 606768.

Allele frequency attached by ClinVar (database versions not stated): gnomAD exomes below 0.00001; gnomAD 0.00001; TOPMed 0.00002.
gnomAD v4.1: 2 of 1,614,042 alleles (0.00012%); highest among the groups gnomAD compares: African/African-American, 0.0027%; no homozygotes.

Submissions (3):

Fulgent Genetics
Classification: Likely pathogenic for Autosomal recessive limb-girdle muscular dystrophy type 2B; Miyoshi muscular dystrophy 1; Distal myopathy with anterior tibial onset. Last evaluated: 2024-06-12. Review status: criteria provided, single submitter. Criteria: ACMG Guidelines, 2015. Collection method: clinical testing. Allele origin: germline.

Labcorp Genetics (formerly Invitae), Labcorp
Classification: Likely pathogenic for Neuromuscular disease caused by qualitative or quantitative defects of dysferlin. Last evaluated: 2020-10-05. Review status: criteria provided, single submitter. Criteria: Invitae Variant Classification Sherloc (09022015). Collection method: clinical testing. Allele origin: germline.
Comment: This variant is not present in population databases (ExAC no frequency). This sequence change affects an acceptor splice site in intron 7 of the DYSF gene. It is expected to disrupt RNA splicing and likely results in an absent or disrupted protein product. This variant has not been reported in the literature in individuals with DYSF-related conditions. ClinVar contains an entry for this variant (Variation ID: 500814). Algorithms developed to predict the effect of sequence changes on RNA splicing suggest that this variant may disrupt the consensus splice site, but this prediction has not been confirmed by published transcriptional studies. Donor and acceptor splice site variants typically lead to a loss of protein function (PMID: 16199547), and loss-of-function variants in DYSF are known to be pathogenic (PMID: 17698709, 20301480). In summary, the currently available evidence indicates that the variant is pathogenic, but additional data are needed to prove that conclusively. Therefore, this variant has been classified as Likely Pathogenic.

Eurofins Ntd Llc (ga)
Classification: Pathogenic. Last evaluated: 2017-03-13. Review status: criteria provided, single submitter. Criteria: EGL Classification Definitions 2015. Collection method: clinical testing. Allele origin: germline. Observed: 1 variant allele, 1 heterozygote.

Literature cited by the submitters: PubMed 16199547 (cited by Labcorp Genetics (formerly Invitae), Labcorp); PubMed 17698709 (cited by Labcorp Genetics (formerly Invitae), Labcorp); PubMed 20301480 (cited by Labcorp Genetics (formerly Invitae), Labcorp).